The following is an entry in ClinVar:

NM_033343.4(LHX4):c.624A>C (p.Arg208Ser)

Genes: ACBD6 (acyl-CoA binding domain containing 6; minus strand), LHX4 (LIM homeobox 4; plus strand), LHX4-AS1 (LHX4 antisense RNA 1; minus strand). Cytogenetic location: 1q25.2.
Variant type: single nucleotide variant.
Coding change: c.624A>C on transcript NM_033343.4 (MANE Select); coding-DNA position 624, A replaced by C.
Protein change: p.Arg208Ser; replaces arginine 208 with serine.
Molecular consequence: missense variant. On other transcripts: non-coding transcript variant (1).
Genome position (GRCh38, 1-based): chr1:180,271,852, A>C. VCF-style: chr1-180271852-A-C. GRCh37 (hg19) VCF-style: chr1-180240987-A-C.
Other names: short protein forms R208S.
Identifiers: ClinVar variation 2505709 (VCV002505709.1), dbSNP rs1235455418, ClinGen allele CA343598443.

ClinVar aggregate classification (germline): Uncertain significance (1 of 4 stars; one submission).

Submission:

GeneDx
Classification: Uncertain significance. Last evaluated: 2022-12-17. Review status: criteria provided, single submitter. Criteria: GeneDx Variant Classification Process June 2021. Collection method: clinical testing. Allele origin: germline. Affected: yes.
Comment: Not observed at significant frequency in large population cohorts (gnomAD); In silico analysis supports that this missense variant has a deleterious effect on protein structure/function; Has not been previously published as pathogenic or benign to our knowledge